The following is an entry in ClinVar:

ClinVar aggregate classification (germline): Conflicting classifications of pathogenicity. Review status: criteria provided, conflicting classifications (1 of 4 stars). 3 submissions from 3 submitters: Uncertain significance (2); Likely benign (1). Last evaluated 2024-06-01.

Conditions:
Hereditary cancer-predisposing syndrome. Also called: Tumor predisposition; Neoplastic Syndromes, Hereditary; Hereditary neoplastic syndrome; Hereditary Cancer Syndrome. Identifiers: Orphanet 140162, MedGen C0027672, MeSH D009386, MONDO:0015356.
Hereditary breast ovarian cancer syndrome. Also called: Hereditary breast and ovarian cancer; Hereditary breast and ovarian cancer syndrome (HBOC); Breast and ovarian cancer; Hereditary breast and ovarian cancer syndrome; BRCA1- and BRCA2-Associated Hereditary Breast and Ovarian Cancer; Hereditary breast and/or ovarian cancer syndrome. Identifiers: Orphanet 145, MedGen C0677776, MeSH D061325, MONDO:0003582. Disease mechanism: loss of function.

Submissions (3):

Ambry Genetics
Classification: Likely benign for Hereditary cancer-predisposing syndrome. Last evaluated: 2024-06-01. Review status: criteria provided, single submitter. Criteria: Ambry Variant Classification Scheme 2023. Collection method: clinical testing. Allele origin: germline.

Color Diagnostics, LLC DBA Color Health
Classification: Uncertain significance for Hereditary cancer-predisposing syndrome. Last evaluated: 2023-12-05. Review status: criteria provided, single submitter. Criteria: ACMG Guidelines, 2015. Collection method: clinical testing. Allele origin: germline.
Comment: This missense variant replaces isoleucine with valine at codon 3286 of the BRCA2 protein. Computational prediction suggests that this variant may not impact protein structure and function (internally defined REVEL score threshold <= 0.5, PMID: 27666373). To our knowledge, functional studies have not been reported for this variant. This variant has not been reported in individuals affected with BRCA2-related disorders in the literature. This variant has not been identified in the general population by the Genome Aggregation Database (gnomAD). The available evidence is insufficient to determine the role of this variant in disease conclusively. Therefore, this variant is classified as a Variant of Uncertain Significance.

Labcorp Genetics (formerly Invitae), Labcorp
Classification: Uncertain significance for Hereditary breast ovarian cancer syndrome. Last evaluated: 2021-04-23. Review status: criteria provided, single submitter. Criteria: Invitae Variant Classification Sherloc (09022015). Collection method: clinical testing. Allele origin: germline.
Comment: Advanced modeling of protein sequence and biophysical properties (such as structural, functional, and spatial information, amino acid conservation, physicochemical variation, residue mobility, and thermodynamic stability) performed at Invitae indicates that this missense variant is not expected to disrupt BRCA2 protein function. In summary, the available evidence is currently insufficient to determine the role of this variant in disease. Therefore, it has been classified as a Variant of Uncertain Significance. This variant has not been reported in the literature in individuals with BRCA2-related conditions. ClinVar contains an entry for this variant (Variation ID: 631033). This variant is not present in population databases (ExAC no frequency). This sequence change replaces isoleucine with valine at codon 3286 of the BRCA2 protein (p.Ile3286Val). The isoleucine residue is weakly conserved and there is a small physicochemical difference between isoleucine and valine.

NM_000059.4(BRCA2):c.9856A>G (p.Ile3286Val)

Gene: BRCA2 (BRCA2 DNA repair associated; plus strand). Cytogenetic location: 13q13.1.
Variant type: single nucleotide variant.
Coding change: c.9856A>G on transcript NM_000059.4 (MANE Select); coding-DNA position 9856, A replaced by G.
Protein change: p.Ile3286Val; replaces isoleucine 3286 with valine.
Molecular consequence: missense variant.
Genome position (GRCh38, 1-based): chr13:32,398,369, A>G. VCF-style: chr13-32398369-A-G. GRCh37 (hg19) VCF-style: chr13-32972506-A-G.
Other names: short protein forms I3286V.
Identifiers: ClinVar variation 631033 (VCV000631033.14), dbSNP rs1566261093, ClinGen allele CA387766539.